The following is an entry in ClinVar:

NM_014634.4(PPM1F):c.601G>A (p.Gly201Arg)

Gene: PPM1F (protein phosphatase, Mg2+/Mn2+ dependent 1F; minus strand). Cytogenetic location: 22q11.22.
Variant type: single nucleotide variant.
Coding change: c.601G>A on transcript NM_014634.4 (MANE Select); coding-DNA position 601, G replaced by A.
Protein change: p.Gly201Arg; replaces glycine 201 with arginine.
Molecular consequence: missense variant.
Genome position (GRCh38, 1-based): chr22:21,933,537, C>T on the plus strand (G>A on the coding strand, the complement: PPM1F is on the minus strand). VCF-style: chr22-21933537-C-T. GRCh37 (hg19) VCF-style: chr22-22287909-C-T.
Other names: c.97G>A, p.Gly33Arg (NM_001410836.1); short protein forms G201R, G33R.
Identifiers: ClinVar variation 3675150 (VCV003675150.2).

ClinVar aggregate classification (germline): Uncertain significance (1 of 4 stars; one submission).

Submission:

Labcorp Genetics (formerly Invitae), Labcorp
Classification: Uncertain significance. Last evaluated: 2025-03-18. Review status: criteria provided, single submitter. Criteria: Invitae Variant Classification Sherloc (09022015). Collection method: clinical testing. Allele origin: germline.
Comment: This sequence change replaces glycine, which is neutral and non-polar, with arginine, which is basic and polar, at codon 201 of the PPM1F protein (p.Gly201Arg). This variant is present in population databases (rs760806504, gnomAD 0.02%). This variant has not been reported in the literature in individuals affected with PPM1F-related conditions. An algorithm developed to predict the effect of missense changes on protein structure and function (PolyPhen-2) suggests that this variant is likely to be disruptive. In summary, the available evidence is currently insufficient to determine the role of this variant in disease. Therefore, it has been classified as a Variant of Uncertain Significance.